The following is an entry in ClinVar:

ClinVar aggregate classification (germline): Likely benign (1 of 4 stars; one submission).

Allele frequency attached by ClinVar (database versions not stated): gnomAD 0.00003; ExAC 0.00017.

Submission:

CeGaT Center for Human Genetics Tuebingen
Classification: Likely benign. Last evaluated: 2022-07-01. Review status: criteria provided, single submitter. Criteria: CeGaT Center For Human Genetics Tuebingen Variant Classification Criteria Version 2. Collection method: clinical testing. Allele origin: germline. Affected: yes. Observed: 1 variant allele.
Comment: AHNAK2: BP4, BP7

NM_138420.4(AHNAK2):c.5538G>C (p.Val1846=)

Gene: AHNAK2 (AHNAK nucleoprotein 2; minus strand). Cytogenetic location: 14q32.33.
Variant type: single nucleotide variant.
Coding change: c.5538G>C on transcript NM_138420.4 (MANE Select); coding-DNA position 5538, G replaced by C.
Protein change: p.Val1846=; no amino-acid change (valine 1846 retained).
Molecular consequence: synonymous variant.
Genome position (GRCh38, 1-based): chr14:104,949,913, C>G on the plus strand (G>C on the coding strand, the complement: AHNAK2 is on the minus strand). VCF-style: chr14-104949913-C-G. GRCh37 (hg19) VCF-style: chr14-105416250-C-G.
Other names: c.5238G>C, p.Val1746= (NM_001350929.2).
Identifiers: ClinVar variation 2644789 (VCV002644789.24), dbSNP rs752729186, ClinGen allele CA7381673.